The following is an entry in ClinVar:

ClinVar aggregate classification (germline): Uncertain significance (1 of 4 stars; one submission).

Conditions:
Ataxia-telangiectasia syndrome (AT). Also called: Ataxia-telangiectasia, complementation group D; AT, COMPLEMENTATION GROUP C; ATAXIA-TELANGIECTASIA, COMPLEMENTATION GROUP A; ATAXIA-TELANGIECTASIA, FRESNO VARIANT; Ataxia-telangiectasia, complementation group E; LOUIS-BAR SYNDROME. Identifiers: Orphanet 100, MedGen C0004135, MONDO:0008840, OMIM 208900.

Allele frequency attached by ClinVar (database versions not stated): gnomAD exomes below 0.00001.
gnomAD v4.1: 1 of 1,613,896 alleles (0.000062%); highest among the groups gnomAD compares: African/African-American, 0.0013%; no homozygotes.

Submission:

Labcorp Genetics (formerly Invitae), Labcorp
Classification: Uncertain significance for Ataxia-telangiectasia syndrome. Last evaluated: 2022-06-25. Review status: criteria provided, single submitter. Criteria: Invitae Variant Classification Sherloc (09022015). Collection method: clinical testing. Allele origin: germline.
Comment: This variant has not been reported in the literature in individuals affected with ATM-related conditions. This variant is not present in population databases (gnomAD no frequency). This sequence change replaces aspartic acid, which is acidic and polar, with glutamic acid, which is acidic and polar, at codon 2841 of the ATM protein (p.Asp2841Glu). Advanced modeling of protein sequence and biophysical properties (such as structural, functional, and spatial information, amino acid conservation, physicochemical variation, residue mobility, and thermodynamic stability) performed at Invitae indicates that this missense variant is expected to disrupt ATM protein function. In summary, the available evidence is currently insufficient to determine the role of this variant in disease. Therefore, it has been classified as a Variant of Uncertain Significance.

NM_000051.4(ATM):c.8523T>G (p.Asp2841Glu)

Genes: ATM (ATM serine/threonine kinase; plus strand), C11orf65 (chromosome 11 open reading frame 65; minus strand). Cytogenetic location: 11q22.3.
Variant type: single nucleotide variant.
Coding change: c.8523T>G on transcript NM_000051.4 (MANE Select); coding-DNA position 8523, T replaced by G.
Protein change: p.Asp2841Glu; replaces aspartic acid 2841 with glutamic acid.
Molecular consequence: missense variant. On other transcripts: intron variant (2).
Genome position (GRCh38, 1-based): chr11:108,345,847, T>G. VCF-style: chr11-108345847-T-G. GRCh37 (hg19) VCF-style: chr11-108216574-T-G.
Other names: c.8523T>G, p.Asp2841Glu (NM_001351834.2); c.641-36776A>C (NM_001330368.2); c.695-10555A>C (NM_001351110.2); short protein forms D2841E.
Identifiers: ClinVar variation 2041004 (VCV002041004.4), dbSNP rs2137033215, ClinGen allele CA382518320.